The following is an entry in ClinVar:

ClinVar aggregate classification (germline): Pathogenic/Likely pathogenic. Review status: criteria provided, multiple submitters, no conflicts (2 of 4 stars). 2 submissions from 2 submitters: Pathogenic (1); Likely pathogenic (1). Last evaluated 2025-01-01.

Conditions:
Intellectual disability, X-linked 102 (MRXSSB). Also called: Intellectual developmental disorder, X-linked syndromic, Snijders Blok type. Identifiers: Orphanet 457260, MedGen C5393299, MONDO:0010497, OMIM 300958.

Submissions (2):

Center of Human Genetics, Hôpital Erasme
Classification: Likely pathogenic for Intellectual disability, X-linked 102. Last evaluated: 2025-01-01. Review status: criteria provided, single submitter. Criteria: ACMG Guidelines, 2015. Collection method: clinical testing. Allele origin: unknown. Affected: yes.

GeneDx
Classification: Pathogenic. Last evaluated: 2018-11-08. Review status: criteria provided, single submitter. Criteria: GeneDx Variant Classification (06012015). Collection method: clinical testing. Allele origin: germline. Affected: yes.
Comment: The c.82_83delAG variant in the DDX3X gene not been reported previously as a pathogenic variant nor as a benign variant, to our knowledge. The c.82_83delAG variant causes a frameshift starting with codon Serine 28, changes this amino acid to a Tryptophan residue, and creates a premature Stop codon at position 22 of the new reading frame, denoted p.Ser28TrpfsX22. This variant is predicted to cause loss of normal protein function either through protein truncation or nonsense-mediated mRNA decay. The c.82_83delAG variant is not observed in large population cohorts (Lek et al., 2016). We interpret c.82_83delAG as a pathogenic variant.

NM_001356.5(DDX3X):c.82_83del (p.Ser28fs)

Gene: DDX3X (DEAD-box helicase 3 X-linked; plus strand). Cytogenetic location: Xp11.4.
Variant type: Microsatellite.
Coding change: c.82_83del on transcript NM_001356.5 (MANE Select); coding-DNA positions 82 to 83, 2 bases deleted (AG; older notation c.82_83delAG).
Protein change: p.Ser28fs; shifts the reading frame from serine 28.
Molecular consequence: frameshift variant. On other transcripts: 5 prime UTR variant (1), non-coding transcript variant (2).
Genome position (GRCh38, 1-based): chrX:41,337,444-41,337,445, AG deleted; deleting any 2 consecutive bases within chrX:41,337,442-41,337,445 gives the same sequence; the c. name uses the placement nearest the transcript's 3' end. VCF-style (leftmost placement, unchanged base first): chrX-41337441-CAG-C. GRCh37 (hg19) VCF-style: chrX-41196694-CAG-C.
Other names: c.82_83del, p.Ser28fs (NM_001193416.3, NM_001193417.3); c.-1824AG[1] (NM_001363819.1); c.82_83delAG (NM_001356.5); short protein forms S28fs.
Identifiers: ClinVar variation 817882 (VCV000817882.2), dbSNP rs1602119274, ClinGen allele CA915950987.
Genomic context (GRCh38, chrX:41,337,441, plus strand): 5'-GGTGCTAACCATCTCACTCTCTTCTAGTTTGCTGGCCTAGACCTGAACTCTTCAGATAAT[CAG>C]AGTGGAGGAAGTACAGCCAGCAGTAAGTACAACATCTTGTGGGTTTATTGAATATTAGAG-3'